The following is an entry in ClinVar:

NM_080680.3(COL11A2):c.3571A>G (p.Asn1191Asp)

Gene: COL11A2 (collagen type XI alpha 2 chain; minus strand). Cytogenetic location: 6p21.32.
Variant type: single nucleotide variant.
Coding change: c.3571A>G on transcript NM_080680.3 (MANE Select); coding-DNA position 3571, A replaced by G.
Protein change: p.Asn1191Asp; replaces asparagine 1191 with aspartic acid.
Molecular consequence: missense variant.
Genome position (GRCh38, 1-based): chr6:33,170,337, T>C on the plus strand (A>G on the coding strand, the complement: COL11A2 is on the minus strand). VCF-style: chr6-33170337-T-C. GRCh37 (hg19) VCF-style: chr6-33138114-T-C.
Other names: c.3391A>G, p.Asn1131Asp (NM_001424108.1); c.2725A>G, p.Asn909Asp (NM_001424109.1); c.2545A>G, p.Asn849Asp (NM_001424110.1, NM_001424111.1); c.1525A>G, p.Asn509Asp (NM_001424112.1); c.3250A>G, p.Asn1084Asp (NM_080679.3); c.3313A>G, p.Asn1105Asp (NM_080681.3); short protein forms N1131D, N509D, N1084D, N1191D, N1105D, N849D, N909D.
Identifiers: ClinVar variation 4705801 (VCV004705801.1).

ClinVar aggregate classification (germline): Uncertain significance (1 of 4 stars; one submission).

Submission:

Labcorp Genetics (formerly Invitae), Labcorp
Classification: Uncertain significance. Last evaluated: 2025-07-15. Review status: criteria provided, single submitter. Criteria: Invitae Variant Classification Sherloc (09022015). Collection method: clinical testing. Allele origin: germline.
Comment: This sequence change replaces asparagine, which is neutral and polar, with aspartic acid, which is acidic and polar, at codon 1191 of the COL11A2 protein (p.Asn1191Asp). This variant is not present in population databases (gnomAD no frequency). This variant has not been reported in the literature in individuals affected with COL11A2-related conditions. Invitae Evidence Modeling of protein sequence and biophysical properties (such as structural, functional, and spatial information, amino acid conservation, physicochemical variation, residue mobility, and thermodynamic stability) indicates that this missense variant is not expected to disrupt COL11A2 protein function with a negative predictive value of 95%. In summary, the available evidence is currently insufficient to determine the role of this variant in disease. Therefore, it has been classified as a Variant of Uncertain Significance.